The following is an entry in ClinVar:

ClinVar aggregate classification (germline): Likely benign (1 of 4 stars; one submission).

Allele frequency attached by ClinVar (database versions not stated): gnomAD 0.00456 and 0.00530; TOPMed 0.00618; 1000 Genomes Project 30x 0.01202; 1000 Genomes Project 0.01318.
gnomAD v4.1: 796 of 152,266 alleles (0.52%); highest among the groups gnomAD compares: East Asian, 6.4%; 18 homozygotes.

Submission:

GeneDx
Classification: Likely benign. Last evaluated: 2018-06-16. Review status: criteria provided, single submitter. Criteria: GeneDx Variant Classification (06012015). Collection method: clinical testing. Allele origin: germline. Affected: yes.
Comment: This variant is considered likely benign or benign based on one or more of the following criteria: it is a conservative change, it occurs at a poorly conserved position in the protein, it is predicted to be benign by multiple in silico algorithms, and/or has population frequency not consistent with disease.

NM_020822.3(KCNT1):c.2243+328G>A

Gene: KCNT1 (potassium sodium-activated channel subfamily T member 1; plus strand). Cytogenetic location: 9q34.3.
Variant type: single nucleotide variant.
Coding change: c.2243+328G>A on transcript NM_020822.3 (MANE Select); 328 bases into the intron after coding-DNA position 2243, G replaced by A.
Molecular consequence: intron variant.
Genome position (GRCh38, 1-based): chr9:135,773,277, G>A. VCF-style: chr9-135773277-G-A. GRCh37 (hg19) VCF-style: chr9-138665123-G-A.
Other names: c.2108+328G>A (NM_001272003.2).
Identifiers: ClinVar variation 671163 (VCV000671163.1), dbSNP rs118000596, ClinGen allele CA201475020.